The following is an entry in ClinVar:

ClinVar aggregate classification (germline): Uncertain significance. Review status: criteria provided, multiple submitters, no conflicts (2 of 4 stars). 3 submissions from 3 submitters: Uncertain significance (3). Last evaluated 2025-03-18.

Conditions:
Inborn genetic diseases. Identifiers: MedGen C0950123, MeSH D030342.

Allele frequency attached by ClinVar (database versions not stated): ExAC 0.00001; gnomAD 0.00001; TOPMed 0.00001.

Submissions (3):

Labcorp Genetics (formerly Invitae), Labcorp
Classification: Uncertain significance. Last evaluated: 2025-03-18. Review status: criteria provided, single submitter. Criteria: Invitae Variant Classification Sherloc (09022015). Collection method: clinical testing. Allele origin: germline.
Comment: This sequence change replaces serine, which is neutral and polar, with phenylalanine, which is neutral and non-polar, at codon 325 of the DUOX2 protein (p.Ser325Phe). This variant is present in population databases (rs377608586, gnomAD 0.006%). This variant has not been reported in the literature in individuals affected with DUOX2-related conditions. ClinVar contains an entry for this variant (Variation ID: 1428325). Invitae Evidence Modeling of protein sequence and biophysical properties (such as structural, functional, and spatial information, amino acid conservation, physicochemical variation, residue mobility, and thermodynamic stability) indicates that this missense variant is expected to disrupt DUOX2 protein function with a positive predictive value of 80%. In summary, the available evidence is currently insufficient to determine the role of this variant in disease. Therefore, it has been classified as a Variant of Uncertain Significance.

Ambry Genetics
Classification: Uncertain significance for Inborn genetic diseases. Last evaluated: 2024-05-29. Review status: criteria provided, single submitter. Criteria: Ambry Variant Classification Scheme 2023. Collection method: clinical testing. Allele origin: germline.

GeneDx
Classification: Uncertain significance. Last evaluated: 2024-02-06. Review status: criteria provided, single submitter. Criteria: GeneDx Variant Classification Process June 2021. Collection method: clinical testing. Allele origin: germline. Affected: yes.
Comment: Not observed at significant frequency in large population cohorts (gnomAD); In silico analysis supports that this missense variant has a deleterious effect on protein structure/function; Has not been previously published as pathogenic or benign to our knowledge

NM_001363711.2(DUOX2):c.974C>T (p.Ser325Phe)

Gene: DUOX2 (dual oxidase 2; minus strand). Cytogenetic location: 15q21.1.
Variant type: single nucleotide variant.
Coding change: c.974C>T on transcript NM_001363711.2 (MANE Select); coding-DNA position 974, C replaced by T.
Protein change: p.Ser325Phe; replaces serine 325 with phenylalanine.
Molecular consequence: missense variant.
Genome position (GRCh38, 1-based): chr15:45,110,494, G>A on the plus strand (C>T on the coding strand, the complement: DUOX2 is on the minus strand). VCF-style: chr15-45110494-G-A. GRCh37 (hg19) VCF-style: chr15-45402692-G-A.
Other names: c.974C>T (NM_014080.4); c.974C>T, p.Ser325Phe (NM_014080.5); short protein forms S325F.
Identifiers: ClinVar variation 1428325 (VCV001428325.9), dbSNP rs377608586, ClinGen allele CA7538796.